The following is an entry in ClinVar:

ClinVar aggregate classification (germline): Uncertain significance (1 of 4 stars; one submission).

Submission:

GeneDx
Classification: Uncertain significance. Last evaluated: 2025-05-07. Review status: criteria provided, single submitter. Criteria: GeneDx Variant Classification Process June 2021. Collection method: clinical testing. Allele origin: germline. Affected: yes.
Comment: Not observed at significant frequency in large population cohorts (gnomAD); Frameshift variant predicted to result in protein truncation or nonsense mediated decay in a gene or region of a gene for which loss of function is not a well-established mechanism of disease; Has not been previously published as pathogenic or benign to our knowledge

NM_004269.4(MED27):c.503del (p.Arg168fs)

Gene: MED27 (mediator complex subunit 27; minus strand). Cytogenetic location: 9q34.13.
Variant type: Deletion.
Coding change: c.503del on transcript NM_004269.4 (MANE Select); coding-DNA position 503, one base deleted (G; older notation c.503delG).
Protein change: p.Arg168fs; shifts the reading frame from arginine 168.
Molecular consequence: frameshift variant.
Genome position (GRCh38, 1-based): chr9:131,939,451, C deleted on the plus strand (G on the coding strand, the reverse complement: MED27 is on the minus strand). VCF-style (leftmost placement, unchanged base first): chr9-131939450-GC-G. GRCh37 (hg19) VCF-style: chr9-134814837-GC-G.
Other names: c.503del, p.Arg168fs (NM_001253881.2); short protein forms R168fs.
Identifiers: ClinVar variation 4527465 (VCV004527465.1).